The following is an entry in ClinVar:

ClinVar aggregate classification (germline): Uncertain significance (1 of 4 stars; one submission).

gnomAD v4.1: 1 of 1,613,986 alleles (0.000062%); no homozygotes.

Submission:

Labcorp Genetics (formerly Invitae), Labcorp
Classification: Uncertain significance. Last evaluated: 2023-07-29. Review status: criteria provided, single submitter. Criteria: Invitae Variant Classification Sherloc (09022015). Collection method: clinical testing. Allele origin: germline.
Comment: In summary, the available evidence is currently insufficient to determine the role of this variant in disease. Therefore, it has been classified as a Variant of Uncertain Significance. Algorithms developed to predict the effect of sequence changes on RNA splicing suggest that this variant may create or strengthen a splice site. An algorithm developed to predict the effect of missense changes on protein structure and function (PolyPhen-2) suggests that this variant is likely to be tolerated. This variant has not been reported in the literature in individuals affected with SYT2-related conditions. This variant is not present in population databases (gnomAD no frequency). This sequence change replaces glutamine, which is neutral and polar, with glutamic acid, which is acidic and polar, at codon 115 of the SYT2 protein (p.Gln115Glu).

NM_177402.5(SYT2):c.343C>G (p.Gln115Glu)

Gene: SYT2 (synaptotagmin 2; minus strand). Cytogenetic location: 1q32.1.
Variant type: single nucleotide variant.
Coding change: c.343C>G on transcript NM_177402.5 (MANE Select); coding-DNA position 343, C replaced by G.
Protein change: p.Gln115Glu; replaces glutamine 115 with glutamic acid.
Molecular consequence: missense variant.
Genome position (GRCh38, 1-based): chr1:202,604,457, G>C on the plus strand (C>G on the coding strand, the complement: SYT2 is on the minus strand). VCF-style: chr1-202604457-G-C. GRCh37 (hg19) VCF-style: chr1-202573585-G-C.
Other names: c.343C>G, p.Gln115Glu (NM_001136504.1); short protein forms Q115E.
Identifiers: ClinVar variation 3007633 (VCV003007633.3), dbSNP rs2526988263, ClinGen allele CA344259092.
Genomic context (GRCh38, chr1:202,604,457, plus strand): 5'-CATCAGGAAAGCCTGGGCTGAGCCCCTTCCAGTCCCCCTCACAACCAATGTGCCCTACCT[G>C]ACCCCCTTTCATGTCCTTCATGTTCATGGCATTCTTCATGCCTTTGCCCTTCTCCTTCTT-3'
Protein context (NP_796376.2, residues 105-125): AMNMKDMKGG[Gln115Glu]DDDDAETGLT